The following is an entry in ClinVar:

ClinVar aggregate classification (germline): Uncertain significance (1 of 4 stars; one submission).

Allele frequency attached by ClinVar (database versions not stated): gnomAD 0.00001; TOPMed 0.00001.
gnomAD v4.1: 8 of 1,614,056 alleles (0.0005%); highest among the groups gnomAD compares: African/African-American, 0.0013%; no homozygotes.

Submission:

Labcorp Genetics (formerly Invitae), Labcorp
Classification: Uncertain significance. Last evaluated: 2024-03-01. Review status: criteria provided, single submitter. Criteria: Invitae Variant Classification Sherloc (09022015). Collection method: clinical testing. Allele origin: germline.
Comment: This sequence change replaces glycine, which is neutral and non-polar, with arginine, which is basic and polar, at codon 1489 of the SLIT2 protein (p.Gly1489Arg). This variant is not present in population databases (gnomAD no frequency). This variant has not been reported in the literature in individuals affected with SLIT2-related conditions. An algorithm developed to predict the effect of missense changes on protein structure and function (PolyPhen-2) suggests that this variant is likely to be disruptive. In summary, the available evidence is currently insufficient to determine the role of this variant in disease. Therefore, it has been classified as a Variant of Uncertain Significance.

NM_004787.4(SLIT2):c.4465G>A (p.Gly1489Arg)

Gene: SLIT2 (slit guidance ligand 2; plus strand). Cytogenetic location: 4p15.31.
Variant type: single nucleotide variant.
Coding change: c.4465G>A on transcript NM_004787.4 (MANE Select); coding-DNA position 4465, G replaced by A.
Protein change: p.Gly1489Arg; replaces glycine 1489 with arginine.
Molecular consequence: missense variant.
Genome position (GRCh38, 1-based): chr4:20,618,884, G>A. VCF-style: chr4-20618884-G-A. GRCh37 (hg19) VCF-style: chr4-20620507-G-A.
Other names: c.4453G>A, p.Gly1485Arg (NM_001289135.3); c.4441G>A, p.Gly1481Arg (NM_001289136.3); short protein forms G1481R, G1485R, G1489R.
Identifiers: ClinVar variation 3007878 (VCV003007878.3), dbSNP rs1283830899, ClinGen allele CA356463414.
Genomic context (GRCh38, chr4:20,618,884, plus strand): 5'-GCTGCTTGCCAAACAACCAAGAAGGTGTCCCGATTAGAGTGCAGAGGTGGGTGTGCAGGA[G>A]GGCAGTGCTGTGGACCGCTGAGGAGCAAGCGGCGGAAATACTCTTTCGAATGCACTGACG-3'
Protein context (NP_004778.1, residues 1479-1499): RLECRGGCAG[Gly1489Arg]QCCGPLRSKR